The following is an entry in ClinVar:

ClinVar aggregate classification (germline): Likely pathogenic (1 of 4 stars; one submission).

Conditions:
Cardiovascular phenotype. Identifiers: MedGen CN230736.

Submission:

Ambry Genetics
Classification: Likely pathogenic for Cardiovascular phenotype. Last evaluated: 2026-07-08. Review status: criteria provided, single submitter. Criteria: Ambry Variant Classification Scheme 2023. Collection method: clinical testing. Allele origin: germline.
Comment: The p.W563R variant (also known as c.1687T>C), located in coding exon 7 of the KCNH2 gene, results from a T to C substitution at nucleotide position 1687. The tryptophan at codon 563 is replaced by arginine, an amino acid with dissimilar properties. This variant was reported in individual(s) with features consistent with long QT syndrome (Izumi G et al. Pediatr Cardiol, 2016 Jun;37:962-70; Ambry internal data). This missense variant is located in a region that has a low rate of benign missense variation (Lek M et al. Nature. 2016 Aug 18;536(7616):285-91; DECIPHER: Database of Chromosomal Imbalance and Phenotype in Humans using Ensembl Resources. Firth H.V. et al. 2009. Am.J.Hum.Genet. 84, 524-533 (DOI)). This amino acid position is highly conserved in available vertebrate species. In addition, this alteration is predicted to be deleterious by in silico analysis. This variant is considered to be rare based on population cohorts in the Genome Aggregation Database (gnomAD). Based on the majority of available evidence to date, this variant is likely to be pathogenic.

Literature cited by the submitters: PubMed 27041096.

NM_000238.4(KCNH2):c.1687T>C (p.Trp563Arg)

Gene: KCNH2 (potassium voltage-gated channel subfamily H member 2; minus strand). Cytogenetic location: 7q36.1.
Variant type: single nucleotide variant.
Coding change: c.1687T>C on transcript NM_000238.4 (MANE Select); coding-DNA position 1687, T replaced by C.
Protein change: p.Trp563Arg; replaces tryptophan 563 with arginine.
Molecular consequence: missense variant. On other transcripts: non-coding transcript variant (2).
Genome position (GRCh38, 1-based): chr7:150,951,706, A>G on the plus strand (T>C on the coding strand, the complement: KCNH2 is on the minus strand). VCF-style: chr7-150951706-A-G. GRCh37 (hg19) VCF-style: chr7-150648794-A-G.
Other names: c.667T>C, p.Trp223Arg (NM_001204798.2, NM_172057.3); c.1399T>C, p.Trp467Arg (NM_001406753.1, NM_001406756.1); c.1510T>C, p.Trp504Arg (NM_001406755.1); c.1387T>C, p.Trp463Arg (NM_001406757.1); c.1687T>C, p.Trp563Arg (NM_172056.3); short protein forms W563R, W467R, W223R, W463R, W504R.
Identifiers: ClinVar variation 5022972 (VCV005022972.1).